The following is an entry in ClinVar:

ClinVar aggregate classification (germline): Conflicting classifications of pathogenicity. Review status: criteria provided, conflicting classifications (1 of 4 stars). 3 submissions from 3 submitters: Uncertain significance (1); Likely benign (2). Last evaluated 2025-10-01.

Conditions:
Deficiency of iodide peroxidase (TDH2A). Also called: HYPOTHYROIDISM, CONGENITAL, DUE TO DYSHORMONOGENESIS, 2A; IODIDE PEROXIDASE DEFICIENCY; THYROID HORMONOGENESIS, GENETIC DEFECT IN, 2A; THYROID PEROXIDASE DEFICIENCY; Thyroid dyshormonogenesis 2A. Identifiers: Orphanet 95716, MedGen C1291299, MONDO:0010133, OMIM 274500.

Allele frequency attached by ClinVar (database versions not stated): gnomAD exomes 0.00045 and 0.00065; ESP Exome Variant Server 0.00062; ExAC 0.00065; gnomAD 0.00068 and 0.00069; TOPMed 0.00077.
gnomAD v4.1: 779 of 1,613,080 alleles (0.048%); highest among the groups gnomAD compares: African/African-American, 0.088%; 1 homozygote.

Submissions (3):

CeGaT Center for Human Genetics Tuebingen
Classification: Likely benign. Last evaluated: 2025-10-01. Review status: criteria provided, single submitter. Criteria: CeGaT Center For Human Genetics Tuebingen Variant Classification Criteria Version 2. Collection method: clinical testing. Allele origin: germline. Affected: yes. Observed: 1 variant allele.
Comment: TPO: BP4, BP7

Labcorp Genetics (formerly Invitae), Labcorp
Classification: Likely benign. Last evaluated: 2024-03-30. Review status: criteria provided, single submitter. Criteria: Invitae Variant Classification Sherloc (09022015). Collection method: clinical testing. Allele origin: germline.

Illumina Laboratory Services, Illumina
Classification: Uncertain significance for Deficiency of iodide peroxidase. Last evaluated: 2017-04-27. Review status: criteria provided, single submitter. Criteria: ICSL Variant Classification Criteria 13 December 2019. Collection method: clinical testing. Allele origin: germline.

NM_001206744.2(TPO):c.1758C>T (p.His586=)

Genes: LALTOP (lung cancer associated lncRNA targeting TOP2A; minus strand), TPO (thyroid peroxidase; plus strand). Cytogenetic location: 2p25.3.
Variant type: single nucleotide variant.
Coding change: c.1758C>T on transcript NM_001206744.2 (MANE Select); coding-DNA position 1758, C replaced by T.
Protein change: p.His586=; no amino-acid change (histidine 586 retained).
Molecular consequence: synonymous variant. On other transcripts: intron variant (2).
Genome position (GRCh38, 1-based): chr2:1,487,981, C>T. VCF-style: chr2-1487981-C-T. GRCh37 (hg19) VCF-style: chr2-1491753-C-T.
Other names: c.1758C>T, p.His586= (NM_000547.6, NM_175721.3); c.1239C>T, p.His413= (NM_175722.3); c.1597+3127C>T (NM_175719.4, NM_001206745.2).
Identifiers: ClinVar variation 723057 (VCV000723057.17), dbSNP rs151122101, ClinGen allele CA1511828.